The following is an entry in ClinVar:

NM_000540.3(RYR1):c.7774G>T (p.Gly2592Cys)

Gene: RYR1 (ryanodine receptor 1; plus strand). Cytogenetic location: 19q13.2.
Variant type: single nucleotide variant.
Coding change: c.7774G>T on transcript NM_000540.3 (MANE Select); coding-DNA position 7774, G replaced by T.
Protein change: p.Gly2592Cys; replaces glycine 2592 with cysteine.
Molecular consequence: missense variant.
Genome position (GRCh38, 1-based): chr19:38,502,666, G>T. VCF-style: chr19-38502666-G-T. GRCh37 (hg19) VCF-style: chr19-38993306-G-T.
Other names: c.7774G>T, p.Gly2592Cys (NM_001042723.2); short protein forms G2592C.
Identifiers: ClinVar variation 5028639 (VCV005028639.1).

ClinVar aggregate classification (germline): Uncertain significance (1 of 4 stars; one submission).

Conditions:
Inborn genetic diseases. Identifiers: MedGen C0950123, MeSH D030342.

gnomAD v4.1: 3 of 1,610,938 alleles (0.00019%); highest among the groups gnomAD compares: South Asian, 0.0022%; no homozygotes.

Submission:

Ambry Genetics
Classification: Uncertain significance for Inborn genetic diseases. Last evaluated: 2026-07-07. Review status: criteria provided, single submitter. Criteria: Ambry Variant Classification Scheme 2023. Collection method: clinical testing. Allele origin: germline.
Comment: The p.G2592C variant (also known as c.7774G>T), located in coding exon 48 of the RYR1 gene, results from a G to T substitution at nucleotide position 7774. The glycine at codon 2592 is replaced by cysteine, an amino acid with highly dissimilar properties. This amino acid position is conserved. In addition, this alteration is predicted to be deleterious by in silico analysis. Based on the available evidence, the clinical significance of this variant remains unclear.